The following is an entry in ClinVar:

ClinVar aggregate classification (germline): Uncertain significance. Review status: criteria provided, multiple submitters, no conflicts (2 of 4 stars). 2 submissions from 2 submitters: Uncertain significance (2). Last evaluated 2026-02-26.

Conditions:
Inborn genetic diseases. Identifiers: MedGen C0950123, MeSH D030342.
FHOD3-related disorder. Also called: FHOD3-related condition.

Allele frequency attached by ClinVar (database versions not stated): ExAC 0.00004; TOPMed 0.00007; ESP Exome Variant Server 0.00008; gnomAD 0.00008; gnomAD exomes 0.00008.
gnomAD v4.1: 124 of 1,613,164 alleles (0.0077%); highest among the groups gnomAD compares: Non-Finnish European, 0.0098%; no homozygotes.

Submissions (2):

PreventionGenetics, part of Exact Sciences
Classification: Uncertain significance for FHOD3-related condition. Last evaluated: 2026-02-26. Review status: criteria provided, single submitter. Criteria: ACMG Guidelines, 2015. Collection method: clinical testing. Allele origin: germline.
Comment: The FHOD3 c.4547T>C variant is predicted to result in the amino acid substitution p.Val1516Ala. This variant has been reported in both control and affected individuals with left ventricular noncompaction cardiomyopathy (Online Table 3, Ochoa et al. 2018. PubMed ID: 30442288). This variant is reported in 0.0063% of alleles in individuals of European (Non-Finnish) descent in gnomAD. At this time, the clinical significance of this variant is uncertain due to the absence of conclusive functional and genetic evidence.

Ambry Genetics
Classification: Uncertain significance for Inborn genetic diseases. Last evaluated: 2025-11-26. Review status: criteria provided, single submitter. Criteria: Ambry Variant Classification Scheme 2023. Collection method: clinical testing. Allele origin: germline.

NM_001281740.3(FHOD3):c.4547T>C (p.Val1516Ala)

Gene: FHOD3 (formin homology 2 domain containing 3; plus strand). Cytogenetic location: 18q12.2.
Variant type: single nucleotide variant.
Coding change: c.4547T>C on transcript NM_001281740.3 (MANE Select); coding-DNA position 4547, T replaced by C.
Protein change: p.Val1516Ala; replaces valine 1516 with alanine.
Molecular consequence: missense variant.
Genome position (GRCh38, 1-based): chr18:36,760,705, T>C. VCF-style: chr18-36760705-T-C. GRCh37 (hg19) VCF-style: chr18-34340668-T-C.
Other names: c.4547T>C (NM_001281740.2); c.3947T>C, p.Val1316Ala (NM_001281739.3); c.3998T>C, p.Val1333Ala (NM_025135.5); short protein forms V1316A, V1516A, V1333A.
Identifiers: ClinVar variation 3095153 (VCV003095153.3), dbSNP rs371397197, ClinGen allele CA8942391.